The following is an entry in ClinVar:

NM_024312.5(GNPTAB):c.833A>G (p.Gln278Arg)

Gene: GNPTAB (N-acetylglucosamine-1-phosphate transferase subunits alpha and beta; minus strand). Cytogenetic location: 12q23.2.
Variant type: single nucleotide variant.
Coding change: c.833A>G on transcript NM_024312.5 (MANE Select); coding-DNA position 833, A replaced by G.
Protein change: p.Gln278Arg; replaces glutamine 278 with arginine.
Molecular consequence: missense variant.
Genome position (GRCh38, 1-based): chr12:101,771,096, T>C on the plus strand (A>G on the coding strand, the complement: GNPTAB is on the minus strand). VCF-style: chr12-101771096-T-C. GRCh37 (hg19) VCF-style: chr12-102164874-T-C.
Other names: short protein forms Q278R.
Identifiers: ClinVar variation 2044229 (VCV002044229.1), dbSNP rs368018459, ClinGen allele CA242463031.

ClinVar aggregate classification (germline): Uncertain significance (1 of 4 stars; one submission).

Conditions:
Pseudo-Hurler polydystrophy. Also called: MUCOLIPIDOSIS IIIA; ML III; ML III ALPHA/BETA; Type III Mucolipidosis; ML IIIA; Mucolipidosis III Alpha/Beta. Identifiers: Orphanet 423461, Orphanet 577, MedGen C0033788, MONDO:0018931, OMIM 252600.
Mucolipidosis type II. Also called: Mucolipidosis II Alpha/Beta; ML II ALPHA/BETA; Mucolipidosis 2; ML 2; Inclusion cell disease; Leroy Disease. Identifiers: Orphanet 576, MedGen C2673377, MONDO:0009650, OMIM 252500.

Allele frequency attached by ClinVar (database versions not stated): gnomAD 0.00001; ESP Exome Variant Server 0.00008; TOPMed 0.00002.

Submission:

Labcorp Genetics (formerly Invitae), Labcorp
Classification: Uncertain significance for Pseudo-Hurler polydystrophy; Mucolipidosis type II. Last evaluated: 2022-07-05. Review status: criteria provided, single submitter. Criteria: Invitae Variant Classification Sherloc (09022015). Collection method: clinical testing. Allele origin: germline.
Comment: This sequence change replaces glutamine, which is neutral and polar, with arginine, which is basic and polar, at codon 278 of the GNPTAB protein (p.Gln278Arg). This variant is present in population databases (rs368018459, gnomAD 0.007%). This variant has not been reported in the literature in individuals affected with GNPTAB-related conditions. Advanced modeling of protein sequence and biophysical properties (such as structural, functional, and spatial information, amino acid conservation, physicochemical variation, residue mobility, and thermodynamic stability) performed at Invitae indicates that this missense variant is not expected to disrupt GNPTAB protein function. In summary, the available evidence is currently insufficient to determine the role of this variant in disease. Therefore, it has been classified as a Variant of Uncertain Significance.